The following is an entry in ClinVar:

ClinVar aggregate classification (germline): Uncertain significance (1 of 4 stars; one submission).

Submission:

GeneDx
Classification: Uncertain significance. Last evaluated: 2025-07-07. Review status: criteria provided, single submitter. Criteria: GeneDx Variant Classification Process June 2021. Collection method: clinical testing. Allele origin: germline. Affected: yes.
Comment: Not observed at significant frequency in large population cohorts (gnomAD); In silico analysis supports that this missense variant has a deleterious effect on protein structure/function; Has not been previously published as pathogenic or benign to our knowledge

NM_153252.5(BRWD3):c.2558C>T (p.Ser853Leu)

Gene: BRWD3 (bromodomain and WD repeat domain containing 3; minus strand). Cytogenetic location: Xq21.1.
Variant type: single nucleotide variant.
Coding change: c.2558C>T on transcript NM_153252.5 (MANE Select); coding-DNA position 2558, C replaced by T.
Protein change: p.Ser853Leu; replaces serine 853 with leucine.
Molecular consequence: missense variant.
Genome position (GRCh38, 1-based): chrX:80,704,841, G>A on the plus strand (C>T on the coding strand, the complement: BRWD3 is on the minus strand). VCF-style: chrX-80704841-G-A. GRCh37 (hg19) VCF-style: chrX-79960340-G-A.
Other names: c.2408C>T, p.Ser803Leu (NM_001441339.1); short protein forms S803L, S853L.
Identifiers: ClinVar variation 4685334 (VCV004685334.1).